The following is an entry in ClinVar:

NM_020457.3(THAP11):c.348_350del (p.Gln132del)

Genes: CENPT (centromere protein T; minus strand), THAP11 (THAP domain containing 11; plus strand). Cytogenetic location: 16q22.1.
Variant type: Deletion.
Coding change: c.348_350del on transcript NM_020457.3 (MANE Select); coding-DNA positions 348 to 350, 3 bases deleted (ACA; older notation c.348_350delACA).
Protein change: p.Gln132del; deletes glutamine 132.
Molecular consequence: inframe deletion. On other transcripts: intron variant (1).
Genome position (GRCh38, 1-based): chr16:67,842,902-67,842,904, ACA deleted; deleting any 3 consecutive bases within chr16:67,842,900-67,842,904 gives the same sequence; the c. name uses the placement nearest the transcript's 3' end. VCF-style (leftmost placement, unchanged base first): chr16-67842899-GCAA-G. GRCh37 (hg19) VCF-style: chr16-67876802-GCAA-G.
Other names: c.-492+4499_-492+4501del (NM_025082.4); c.348_350delACA (NM_020457.2); short protein forms Q132del.
Identifiers: ClinVar variation 2047073 (VCV002047073.5), dbSNP rs765865936, ClinGen allele CA8118201.
Genomic context (GRCh38, chr16:67,842,899, plus strand): 5'-TGGGGCCGCGGCCGCCCGCCGCAGGCAGCAGCAGCAACAGCAGCAGCAGCAGCAACAGCA[GCAA>G]CAGCAGCAGCAGCAGCAACAGCAGCAGCAGCAGCAGCAGCAGCAGCAGTCCTCACCCTCT-3'

ClinVar aggregate classification (germline): Likely benign. Review status: criteria provided, multiple submitters, no conflicts (2 of 4 stars). 2 submissions from 2 submitters: Likely benign (2). Last evaluated 2026-01-07.

Conditions:
THAP11-related disorder. Also called: THAP11-related condition.

Submissions (2):

Labcorp Genetics (formerly Invitae), Labcorp
Classification: Likely benign. Last evaluated: 2026-01-07. Review status: criteria provided, single submitter. Criteria: Invitae Variant Classification Sherloc (09022015). Collection method: clinical testing. Allele origin: germline.

PreventionGenetics, part of Exact Sciences
Classification: Likely benign for THAP11-related condition. Last evaluated: 2024-12-05. Review status: criteria provided, single submitter. Criteria: ACMG Guidelines, 2015. Collection method: clinical testing. Allele origin: germline.
Comment: This variant is classified as likely benign based on ACMG/AMP sequence variant interpretation guidelines (Richards et al. 2015 PMID: 25741868, with internal and published modifications).